The following is an entry in ClinVar:

ClinVar aggregate classification (germline): Uncertain significance. Review status: criteria provided, multiple submitters, no conflicts (2 of 4 stars). 2 submissions from 2 submitters: Uncertain significance (2). Last evaluated 2026-06-01.

Conditions:
Charcot-Marie-Tooth disease axonal type 2O. Also called: Charcot-Marie-Tooth disease, axonal, type 20; CHARCOT-MARIE-TOOTH NEUROPATHY, AXONAL, TYPE 2O; CHARCOT-MARIE-TOOTH DISEASE, AXONAL, AUTOSOMAL DOMINANT, TYPE 2O; Charcot-Marie-Tooth Neuropathy Type 2O. Identifiers: Orphanet 284232, MedGen C3280220, MONDO:0013644, OMIM 614228.

Submissions (2):

CeGaT Center for Human Genetics Tuebingen
Classification: Uncertain significance. Last evaluated: 2026-06-01. Review status: criteria provided, single submitter. Criteria: CeGaT Center For Human Genetics Tuebingen Variant Classification Criteria Version 2. Collection method: clinical testing. Allele origin: germline. Affected: yes. Observed: 1 variant allele.
Comment: DYNC1H1: PM2, PP2

Labcorp Genetics (formerly Invitae), Labcorp
Classification: Uncertain significance for Charcot-Marie-Tooth disease axonal type 2O. Last evaluated: 2022-03-02. Review status: criteria provided, single submitter. Criteria: Invitae Variant Classification Sherloc (09022015). Collection method: clinical testing. Allele origin: germline.
Comment: This sequence change replaces alanine, which is neutral and non-polar, with threonine, which is neutral and polar, at codon 3142 of the DYNC1H1 protein (p.Ala3142Thr). This variant is not present in population databases (gnomAD no frequency). This variant has not been reported in the literature in individuals affected with DYNC1H1-related conditions. Advanced modeling of protein sequence and biophysical properties (such as structural, functional, and spatial information, amino acid conservation, physicochemical variation, residue mobility, and thermodynamic stability) performed at Invitae indicates that this missense variant is not expected to disrupt DYNC1H1 protein function. In summary, the available evidence is currently insufficient to determine the role of this variant in disease. Therefore, it has been classified as a Variant of Uncertain Significance.

NM_001376.5(DYNC1H1):c.9424G>A (p.Ala3142Thr)

Genes: DYNC1H1 (dynein cytoplasmic 1 heavy chain 1; plus strand), LOC126862060 (BRD4-independent group 4 enhancer GRCh37_chr14:102493659-102494858; plus strand). Cytogenetic location: 14q32.31.
Variant type: single nucleotide variant.
Coding change: c.9424G>A on transcript NM_001376.5 (MANE Select); coding-DNA position 9424, G replaced by A.
Protein change: p.Ala3142Thr; replaces alanine 3142 with threonine.
Molecular consequence: missense variant.
Genome position (GRCh38, 1-based): chr14:102,028,097, G>A. VCF-style: chr14-102028097-G-A. GRCh37 (hg19) VCF-style: chr14-102494434-G-A.
Other names: short protein forms A3142T.
Identifiers: ClinVar variation 1959785 (VCV001959785.7), dbSNP rs2503806394, ClinGen allele CA391014460.
Genomic context (GRCh38, chr14:102,028,097, plus strand): 5'-GTGCCTGATTACATGCCAGTTGTGTATGATAAGCTGCCGCAGCCACCATCCCATCGGGAA[G>A]CCATTGTGAACAGCTGTGTGTTTGTTCATCAGACTCTTCACCAGGTGGGTTCAGTTTTGA-3'
Protein context (NP_001367.2, residues 3132-3152): KLPQPPSHRE[Ala3142Thr]IVNSCVFVHQ